The following is an entry in ClinVar:

NM_000789.4(ACE):c.924C>T (p.Val308=)

Gene: ACE (angiotensin I converting enzyme; plus strand). Cytogenetic location: 17q23.3.
Variant type: single nucleotide variant.
Coding change: c.924C>T on transcript NM_000789.4 (MANE Select); coding-DNA position 924, C replaced by T.
Protein change: p.Val308=; no amino-acid change (valine 308 retained).
Molecular consequence: synonymous variant. On other transcripts: missense variant (1).
Genome position (GRCh38, 1-based): chr17:63,481,167, C>T. VCF-style: chr17-63481167-C-T. GRCh37 (hg19) VCF-style: chr17-61558528-C-T.
Other names: c.451C>T, p.His151Tyr (NM_001382700.1); c.72C>T, p.Val24= (NM_001382701.1); short protein forms H151Y.
Identifiers: ClinVar variation 4978465 (VCV004978465.1).

ClinVar aggregate classification (germline): Likely benign (1 of 4 stars; one submission).

Conditions:
ACE-related disorder. Also called: ACE-related condition; ACE-related disorders.

gnomAD v4.1: 46 of 1,613,110 alleles (0.0029%); highest among the groups gnomAD compares: South Asian, 0.047%; no homozygotes.

Submission:

PreventionGenetics, part of Exact Sciences
Classification: Likely benign for ACE-related condition. Last evaluated: 2025-09-16. Review status: criteria provided, single submitter. Criteria: ACMG Guidelines, 2015. Collection method: clinical testing. Allele origin: germline.
Comment: This variant is classified as likely benign based on ACMG/AMP sequence variant interpretation guidelines (Richards et al. 2015 PMID: 25741868, with internal and published modifications).